The following is an entry in ClinVar:

ClinVar aggregate classification (germline): Uncertain significance. Review status: criteria provided, multiple submitters, no conflicts (2 of 4 stars). 3 submissions from 3 submitters: Uncertain significance (3). Last evaluated 2025-03-26.

Conditions:
Pulmonary fibrosis and/or bone marrow failure, Telomere-related, 3. Also called: PULMONARY FIBROSIS AND/OR BONE MARROW FAILURE SYNDROME, TELOMERE-RELATED, 3. Identifiers: Orphanet 2032, MedGen C4225346, MONDO:0014613, OMIM 616373.
Dyskeratosis congenita, autosomal recessive 5 (DKCB5). Identifiers: MedGen C3554656, MONDO:0014076, OMIM 615190.
Inborn genetic diseases. Identifiers: MedGen C0950123, MeSH D030342.

Allele frequency attached by ClinVar (database versions not stated): ExAC 0.00002; gnomAD 0.00002.
gnomAD v4.1: 16 of 1,612,114 alleles (0.00099%); highest among the groups gnomAD compares: Non-Finnish European, 0.00017%; no homozygotes.

Submissions (3):

Ambry Genetics
Classification: Uncertain significance for Inborn genetic diseases. Last evaluated: 2025-03-26. Review status: criteria provided, single submitter. Criteria: Ambry Variant Classification Scheme 2023. Collection method: clinical testing. Allele origin: germline.
Comment: The p.A1233G variant (also known as c.3698C>G), located in coding exon 33 of the RTEL1 gene, results from a C to G substitution at nucleotide position 3698. The alanine at codon 1233 is replaced by glycine, an amino acid with similar properties. This amino acid position is conserved. In addition, this alteration is predicted to be tolerated by in silico analysis. Based on the available evidence, the clinical significance of this variant remains unclear.

Labcorp Genetics (formerly Invitae), Labcorp
Classification: Uncertain significance for Dyskeratosis congenita, autosomal recessive 5; Pulmonary fibrosis and/or bone marrow failure, Telomere-related, 3. Last evaluated: 2022-08-18. Review status: criteria provided, single submitter. Criteria: Invitae Variant Classification Sherloc (09022015). Collection method: clinical testing. Allele origin: germline.
Comment: This sequence change replaces alanine, which is neutral and non-polar, with glycine, which is neutral and non-polar, at codon 1233 of the RTEL1 protein (p.Ala1233Gly). This variant is present in population databases (rs762690072, gnomAD 0.02%). This variant has not been reported in the literature in individuals affected with RTEL1-related conditions. Algorithms developed to predict the effect of missense changes on protein structure and function (SIFT, PolyPhen-2, Align-GVGD) all suggest that this variant is likely to be tolerated. In summary, the available evidence is currently insufficient to determine the role of this variant in disease. Therefore, it has been classified as a Variant of Uncertain Significance.

Blueprint Genetics
Classification: Uncertain significance. Last evaluated: 2019-12-08. Review status: criteria provided, single submitter. Criteria: ACMG Guidelines, 2015. Collection method: clinical testing. Allele origin: germline.

NM_001283009.2(RTEL1):c.3698C>G (p.Ala1233Gly)

Genes: RTEL1 (regulator of telomere elongation helicase 1; plus strand), RTEL1-TNFRSF6B (RTEL1-TNFRSF6B readthrough (NMD candidate); plus strand). Cytogenetic location: 20q13.33.
Variant type: single nucleotide variant.
Coding change: c.3698C>G on transcript NM_001283009.2 (MANE Select); coding-DNA position 3698, C replaced by G.
Protein change: p.Ala1233Gly; replaces alanine 1233 with glycine.
Molecular consequence: missense variant. On other transcripts: non-coding transcript variant (1), intron variant (3).
Genome position (GRCh38, 1-based): chr20:63,695,526, C>G. VCF-style: chr20-63695526-C-G. GRCh37 (hg19) VCF-style: chr20-62326879-C-G.
Other names: c.2983+46C>G (NM_001283010.1); c.3724+46C>G (NM_032957.5); c.3652+46C>G (NM_016434.4); short protein forms A1233G.
Identifiers: ClinVar variation 1906661 (VCV001906661.4), dbSNP rs762690072, ClinGen allele CA9966161.